The following is an entry in ClinVar:

ClinVar aggregate classification (germline): Uncertain significance (1 of 4 stars; one submission).

Conditions:
Hereditary spastic paraplegia 31. Also called: SPASTIC PARAPLEGIA 31, AUTOSOMAL DOMINANT. Identifiers: Orphanet 101011, MedGen C1853247, MONDO:0012453, OMIM 610250.

Submission:

Labcorp Genetics (formerly Invitae), Labcorp
Classification: Uncertain significance for Spastic paraplegia 31, autosomal dominant. Last evaluated: 2019-06-21. Review status: criteria provided, single submitter. Criteria: Invitae Variant Classification Sherloc (09022015). Collection method: clinical testing. Allele origin: germline.
Comment: This variant is a gross deletion of the genomic region encompassing exon 7 of the REEP1 gene. The 5' boundary is likely confined to intron 6. The 3' end of this event is unknown as it extends through the termination codon beyond the assayed region for this gene and may encompass additional genes. While this deletion is not anticipated to result in nonsense mediated decay, it is expected to create a truncated protein product or disrupt mRNA translation. This variant has not been reported in the literature in individuals with REEP1-related disease. In summary, the available evidence is currently insufficient to determine the role of this variant in disease. Therefore, it has been classified as a Variant of Uncertain Significance.

NC_000002.12:g.(?_86217019)_(86217130_?)del

Gene: REEP1 (receptor accessory protein 1; minus strand). Cytogenetic location: 2p11.2.
Variant type: Deletion.
Identifiers: ClinVar variation 583480 (VCV000583480.2).